The following is an entry in ClinVar:

ClinVar aggregate classification (germline): Pathogenic. Review status: criteria provided, multiple submitters, no conflicts (2 of 4 stars). 3 submissions from 3 submitters: Pathogenic (3). Last evaluated 2025-06-07.

Conditions:
Kleefstra syndrome 1 (KLEFS1). Identifiers: Orphanet 261494, MedGen C0795833, MONDO:0027407, OMIM 610253.

Submissions (3):

GeneDx
Classification: Pathogenic. Last evaluated: 2025-06-07. Review status: criteria provided, single submitter. Criteria: GeneDx Variant Classification Process June 2021. Collection method: clinical testing. Allele origin: germline. Affected: yes.
Comment: Frameshift variant predicted to result in protein truncation or nonsense mediated decay in a gene for which loss of function is a known mechanism of disease; Not observed at significant frequency in large population cohorts (gnomAD); This variant is associated with the following publications: (PMID: 39534424)

Clinical Genetics Center, Xinhua Hospital affiliated to Shanghai Jiao Tong University School of Medicine
Classification: Pathogenic for Kleefstra syndrome 1. Last evaluated: 2024-11-01. Review status: criteria provided, single submitter. Criteria: ACMG Guidelines, 2015. Collection method: clinical testing. Allele origin: de novo. Affected: yes.
Comment: PVS1+PM6+PM2_Supporting

Labcorp Genetics (formerly Invitae), Labcorp
Classification: Pathogenic for Kleefstra syndrome 1. Last evaluated: 2022-08-20. Review status: criteria provided, single submitter. Criteria: Invitae Variant Classification Sherloc (09022015). Collection method: clinical testing. Allele origin: germline.
Comment: For these reasons, this variant has been classified as Pathogenic. This variant has not been reported in the literature in individuals affected with EHMT1-related conditions. This variant is not present in population databases (gnomAD no frequency). This sequence change creates a premature translational stop signal (p.Ala999Profs*11) in the EHMT1 gene. It is expected to result in an absent or disrupted protein product. Loss-of-function variants in EHMT1 are known to be pathogenic (PMID: 16826528, 19264732).

Literature cited by the submitters: PubMed 16826528 (cited by Labcorp Genetics (formerly Invitae), Labcorp); PubMed 19264732 (cited by Labcorp Genetics (formerly Invitae), Labcorp).

NM_024757.5(EHMT1):c.2995del (p.Ala999fs)

Gene: EHMT1 (euchromatic histone lysine methyltransferase 1; plus strand). Cytogenetic location: 9q34.3.
Variant type: Deletion.
Coding change: c.2995del on transcript NM_024757.5 (MANE Select); coding-DNA position 2995, one base deleted (G; older notation c.2995delG).
Protein change: p.Ala999fs; shifts the reading frame from alanine 999.
Molecular consequence: frameshift variant.
Genome position (GRCh38, 1-based): chr9:137,813,133, G deleted; the last of 2 consecutive G bases (chr9:137,813,132-137,813,133); deleting either gives the same sequence. VCF-style (leftmost placement, unchanged base first): chr9-137813131-CG-C. GRCh37 (hg19) VCF-style: chr9-140707583-CG-C.
Other names: c.2974del, p.Ala992fs (NM_001354263.2); c.2995del (NM_024757.4); short protein forms A999fs, A992fs.
Identifiers: ClinVar variation 1933541 (VCV001933541.7), dbSNP rs2538653083, ClinGen allele CA2580081008.
Genomic context (GRCh38, chr9:137,813,131, plus strand): 5'-GTGCGAGCCTCAACTCTCAGGTGTGGAGCGCTCTGCAGATGAGCAAGGCTCTGCAGGACT[CG>C]GCCCCCGACAGGCCCAGCCCCGTGGAGAGGATAGTGAGCAGGTGAGCCCAGCCCCAGGAC-3'